The following is an entry in ClinVar:

ClinVar aggregate classification (germline): Uncertain significance. Review status: criteria provided, multiple submitters, no conflicts (2 of 4 stars). 4 submissions from 4 submitters: Uncertain significance (4). Last evaluated 2026-09-03.

Conditions:
USH2A-related disorder. Also called: USH2A-related disorders; USH2A-related condition. Identifiers: MedGen CN239332.

gnomAD v4.1: 12 of 1,613,996 alleles (0.00074%); highest among the groups gnomAD compares: Admixed American, 0.02%; no homozygotes.

Submissions (4):

PreventionGenetics, part of Exact Sciences
Classification: Uncertain significance for USH2A-related condition. Last evaluated: 2026-09-03. Review status: criteria provided, single submitter. Criteria: ACMG Guidelines, 2015. Collection method: clinical testing. Allele origin: germline.
Comment: The USH2A c.12743A>T variant is predicted to result in the amino acid substitution p.His4248Leu. To our knowledge, this variant has not been reported in the literature. This variant is reported in 0.034% of alleles in individuals of Latino descent in gnomAD. At this time, the clinical significance of this variant is uncertain due to the absence of conclusive functional and genetic evidence.

Labcorp Genetics (formerly Invitae), Labcorp
Classification: Uncertain significance. Last evaluated: 2025-10-24. Review status: criteria provided, single submitter. Criteria: Invitae Variant Classification Sherloc (09022015). Collection method: clinical testing. Allele origin: germline.
Comment: This sequence change replaces histidine, which is basic and polar, with leucine, which is neutral and non-polar, at codon 4248 of the USH2A protein (p.His4248Leu). This variant is present in population databases (rs145830318, gnomAD 0.04%). This variant has not been reported in the literature in individuals affected with USH2A-related conditions. ClinVar contains an entry for this variant (Variation ID: 1434666). Invitae Evidence Modeling of protein sequence and biophysical properties (such as structural, functional, and spatial information, amino acid conservation, physicochemical variation, residue mobility, and thermodynamic stability) indicates that this missense variant is not expected to disrupt USH2A protein function with a negative predictive value of 95%. In summary, the available evidence is currently insufficient to determine the role of this variant in disease. Therefore, it has been classified as a Variant of Uncertain Significance.

Mayo Clinic Laboratories, Mayo Clinic
Classification: Uncertain significance. Last evaluated: 2022-12-06. Review status: criteria provided, single submitter. Criteria: ACMG Guidelines, 2015. Collection method: clinical testing. Allele origin: germline. Observed: 1 variant allele.
Comment: PM2_supporting

Blueprint Genetics
Classification: Uncertain significance. Last evaluated: 2018-01-11. Review status: criteria provided, single submitter. Criteria: ACMG Guidelines, 2015. Collection method: clinical testing. Allele origin: germline.

NM_206933.4(USH2A):c.12743A>T (p.His4248Leu)

Gene: USH2A (usherin; minus strand). Cytogenetic location: 1q41.
Variant type: single nucleotide variant.
Coding change: c.12743A>T on transcript NM_206933.4 (MANE Select); coding-DNA position 12743, A replaced by T.
Protein change: p.His4248Leu; replaces histidine 4248 with leucine.
Molecular consequence: missense variant.
Genome position (GRCh38, 1-based): chr1:215,675,168, T>A on the plus strand (A>T on the coding strand, the complement: USH2A is on the minus strand). VCF-style: chr1-215675168-T-A. GRCh37 (hg19) VCF-style: chr1-215848510-T-A.
Other names: p.His4248Leu; c.12743A>T (NM_206933.2); short protein forms H4248L.
Identifiers: ClinVar variation 1434666 (VCV001434666.8), dbSNP rs145830318, ClinGen allele CA1393415.
Genomic context (GRCh38, chr1:215,675,168, plus strand): 5'-GGAGAGAGACCTTCTGGAGGTGCTTGCAATGTCCTCACCACATTCCAAGAGCTACAGGTA[T>A]GCCCAGCTGAATTCCAAGTGTAGATTTTATATTCACACTGCGTCCATGGTTGCAAACCTG-3'
Protein context (NP_996816.3, residues 4238-4258): YKIYTWNSAG[His4248Leu]TCSSWNVVRT